The following is an entry in ClinVar:

NM_001277115.2(DNAH11):c.13132G>A (p.Gly4378Ser)

Gene: DNAH11 (dynein axonemal heavy chain 11; plus strand). Cytogenetic location: 7p15.3.
Variant type: single nucleotide variant.
Coding change: c.13132G>A on transcript NM_001277115.2 (MANE Select); coding-DNA position 13132, G replaced by A.
Protein change: p.Gly4378Ser; replaces glycine 4378 with serine.
Molecular consequence: missense variant.
Genome position (GRCh38, 1-based): chr7:21,899,418, G>A. VCF-style: chr7-21899418-G-A. GRCh37 (hg19) VCF-style: chr7-21939036-G-A.
Other names: c.13132G>A (NM_001277115.1); short protein forms G4378S.
Identifiers: ClinVar variation 1043965 (VCV001043965.13), dbSNP rs374818694, ClinGen allele CA4183309.

ClinVar aggregate classification (germline): Conflicting classifications of pathogenicity. Review status: criteria provided, conflicting classifications (1 of 4 stars). 4 submissions from 4 submitters: Uncertain significance (3); Benign (1). Last evaluated 2026-06-03.

Conditions:
Primary ciliary dyskinesia. Also called: Ciliary dyskinesia. Identifiers: Orphanet 244, MedGen C0008780, MONDO:0016575, HP:0012265.

Allele frequency attached by ClinVar (database versions not stated): ExAC 0.00007; 1000 Genomes Project 0.00020; ESP Exome Variant Server 0.00025; 1000 Genomes Project 30x 0.00031; gnomAD 0.00017 and 0.00019; TOPMed 0.00019.

Submissions (4):

GeneDx
Classification: Uncertain significance. Last evaluated: 2026-06-03. Review status: criteria provided, single submitter. Criteria: GeneDx Variant Classification Process June 2021. Collection method: clinical testing. Allele origin: germline.
Comment: In silico analysis supports that this missense variant has a deleterious effect on protein structure/function; Has not been previously published as pathogenic or benign to our knowledge

Labcorp Genetics (formerly Invitae), Labcorp
Classification: Benign for Primary ciliary dyskinesia. Last evaluated: 2025-12-30. Review status: criteria provided, single submitter. Criteria: Invitae Variant Classification Sherloc (09022015). Collection method: clinical testing. Allele origin: germline.

Blueprint Genetics
Classification: Uncertain significance. Last evaluated: 2023-12-14. Review status: criteria provided, single submitter. Criteria: ACMG Guidelines, 2015. Collection method: clinical testing. Allele origin: germline.

Ambry Genetics
Classification: Uncertain significance for Primary ciliary dyskinesia. Last evaluated: 2021-08-17. Review status: criteria provided, single submitter. Criteria: Ambry Variant Classification Scheme 2023. Collection method: clinical testing. Allele origin: germline.